The following is an entry in ClinVar:

NM_002769.5(PRSS1):c.453C>T (p.Gly151=)

Genes: PRSS1 (serine protease 1; plus strand), TRB (T cell receptor beta locus; plus strand). Cytogenetic location: 7q34.
Variant type: single nucleotide variant.
Coding change: c.453C>T on transcript NM_002769.5 (MANE Select); coding-DNA position 453, C replaced by T.
Protein change: p.Gly151=; no amino-acid change (glycine 151 retained).
Molecular consequence: synonymous variant.
Genome position (GRCh38, 1-based): chr7:142,752,026, C>T. VCF-style: chr7-142752026-C-T. GRCh37 (hg19) VCF-style: chr7-142459877-C-T.
Identifiers: ClinVar variation 411135 (VCV000411135.20), dbSNP rs147765409, ClinGen allele CA4529975.
Genomic context (GRCh38, chr7:142,752,026, plus strand): 5'-CCCTCCAGCCACTGGCACGAAGTGCCTCATCTCTGGCTGGGGCAACACTGCGAGCTCTGG[C>T]GGTGAGTGGGACCCTTAGTCCTTCTACTTCCCTCCATCCTCACAATTTCCAGAACAAACC-3'
Protein context (NP_002760.1, residues 141-161): ISGWGNTASS[Gly151=]ADYPDELQCL

ClinVar aggregate classification (germline): Conflicting classifications of pathogenicity. Review status: criteria provided, conflicting classifications (1 of 4 stars). 3 submissions from 3 submitters: Uncertain significance (1); Likely benign (2). Last evaluated 2026-01-24.

Conditions:
Hereditary pancreatitis (PCTT). Also called: Hereditary chronic pancreatitis; PRSS1-Related Hereditary Pancreatitis. Identifiers: Orphanet 676, MedGen C0238339, MONDO:0008185, OMIM 167800.

Allele frequency attached by ClinVar (database versions not stated): gnomAD 0.00015; gnomAD exomes 0.00018; ExAC 0.00032.
gnomAD v4.1: 188 of 1,541,292 alleles (0.012%); highest among the groups gnomAD compares: East Asian, 0.043%; no homozygotes.

Submissions (3):

Labcorp Genetics (formerly Invitae), Labcorp
Classification: Uncertain significance for Hereditary pancreatitis. Last evaluated: 2026-01-24. Review status: criteria provided, single submitter. Criteria: Invitae Variant Classification Sherloc (09022015). Collection method: clinical testing. Allele origin: germline.
Comment: This sequence change affects codon 151 of the PRSS1 mRNA. It is a 'silent' change, meaning that it does not change the encoded amino acid sequence of the PRSS1 protein. It affects a nucleotide within the consensus splice site. The frequency data for this variant in the population databases is considered unreliable, as metrics indicate poor data quality at this position in the gnomAD database. This variant has not been reported in the literature in individuals affected with PRSS1-related conditions. ClinVar contains an entry for this variant (Variation ID: 411135). Algorithms developed to predict the effect of sequence changes on RNA splicing suggest that this variant is not likely to affect RNA splicing. In summary, the available evidence is currently insufficient to determine the role of this variant in disease. Therefore, it has been classified as a Variant of Uncertain Significance.

Ambry Genetics
Classification: Likely benign for Hereditary pancreatitis. Last evaluated: 2018-04-30. Review status: criteria provided, single submitter. Criteria: Ambry Variant Classification Scheme 2023. Collection method: clinical testing. Allele origin: germline.

ARUP Laboratories, Molecular Genetics and Genomics, ARUP Laboratories
Classification: Likely benign. Last evaluated: 2016-11-11. Review status: criteria provided, single submitter. Criteria: ARUP Molecular Germline Variant Investigation Process. Collection method: clinical testing. Allele origin: germline.